The following is an entry in ClinVar:

NM_002485.5(NBN):c.1099A>G (p.Thr367Ala)

Gene: NBN (nibrin; minus strand). Cytogenetic location: 8q21.3.
Variant type: single nucleotide variant.
Coding change: c.1099A>G on transcript NM_002485.5 (MANE Select); coding-DNA position 1099, A replaced by G.
Protein change: p.Thr367Ala; replaces threonine 367 with alanine.
Molecular consequence: missense variant.
Genome position (GRCh38, 1-based): chr8:89,958,750, T>C on the plus strand (A>G on the coding strand, the complement: NBN is on the minus strand). VCF-style: chr8-89958750-T-C. GRCh37 (hg19) VCF-style: chr8-90970978-T-C.
Other names: c.853A>G, p.Thr285Ala (NM_001024688.3); short protein forms T367A, T285A.
Identifiers: ClinVar variation 496161 (VCV000496161.1), dbSNP rs1554560363, ClinGen allele CA371656613.

ClinVar aggregate classification (germline): Uncertain significance (1 of 4 stars; one submission).

Allele frequency attached by ClinVar (database versions not stated): gnomAD exomes below 0.00001.
gnomAD v4.1: 1 of 1,614,134 alleles (0.000062%); highest among the groups gnomAD compares: South Asian, 0.0011%; no homozygotes.

Submission:

Women's Health and Genetics/Laboratory Corporation of America, LabCorp
Classification: Uncertain significance. Last evaluated: 2017-05-26. Review status: criteria provided, single submitter. Criteria: LabCorp Variant Classification Summary - May 2015. Collection method: clinical testing. Allele origin: germline.
Comment: Variant summary: The NBN c.1099A>G (p.Thr367Ala) variant located in the BRCT domain (via InterPro) involves the alteration of a non-conserved nucleotide and 4/4 in silico tools (SNPsandGO not captured due to low reliability index) predict a damaging outcome. However, these predictions have yet to be functionally assessed. This variant is absent in 121346 control chromosomes (ExAC). The variant of interest has not, to our knowledge, been reported in affected individuals via publications and/or reputable databases/clinical diagnostic laboratories; nor evaluated for functional impact by in vivo/vitro studies. Because of the absence of clinical information and the lack of functional studies, the variant is classified as a "Variant of Uncertain Significance (VUS)," until additional information becomes available.